The following is an entry in ClinVar:

NM_005477.3(HCN4):c.3401G>A (p.Gly1134Asp)

Gene: HCN4 (hyperpolarization activated cyclic nucleotide gated potassium channel 4; minus strand). Cytogenetic location: 15q24.1.
Variant type: single nucleotide variant.
Coding change: c.3401G>A on transcript NM_005477.3 (MANE Select); coding-DNA position 3401, G replaced by A.
Protein change: p.Gly1134Asp; replaces glycine 1134 with aspartic acid.
Molecular consequence: missense variant.
Genome position (GRCh38, 1-based): chr15:73,322,692, C>T on the plus strand (G>A on the coding strand, the complement: HCN4 is on the minus strand). VCF-style: chr15-73322692-C-T. GRCh37 (hg19) VCF-style: chr15-73615033-C-T.
Other names: short protein forms G1134D.
Identifiers: ClinVar variation 1058101 (VCV001058101.9), dbSNP rs2042868075, ClinGen allele CA393085397.

ClinVar aggregate classification (germline): Uncertain significance (1 of 4 stars; one submission).

Conditions:
Brugada syndrome 8 (BRGDA8). Identifiers: Orphanet 130, MedGen C2751083, MONDO:0013148, OMIM 613123.

Allele frequency attached by ClinVar (database versions not stated): gnomAD exomes 0.00001.
gnomAD v4.1: 14 of 1,582,104 alleles (0.00088%); highest among the groups gnomAD compares: Non-Finnish European, 0.0012%; no homozygotes.

Submission:

Labcorp Genetics (formerly Invitae), Labcorp
Classification: Uncertain significance for Brugada syndrome 8. Last evaluated: 2025-09-27. Review status: criteria provided, single submitter. Criteria: Invitae Variant Classification Sherloc (09022015). Collection method: clinical testing. Allele origin: germline.
Comment: This sequence change replaces glycine, which is neutral and non-polar, with aspartic acid, which is acidic and polar, at codon 1134 of the HCN4 protein (p.Gly1134Asp). This variant is not present in population databases (gnomAD no frequency). This variant has not been reported in the literature in individuals affected with HCN4-related conditions. ClinVar contains an entry for this variant (Variation ID: 1058101). Invitae Evidence Modeling of protein sequence and biophysical properties (such as structural, functional, and spatial information, amino acid conservation, physicochemical variation, residue mobility, and thermodynamic stability) has been performed for this missense variant. However, the output from this modeling did not meet the statistical confidence thresholds required to predict the impact of this variant on HCN4 protein function. In summary, the available evidence is currently insufficient to determine the role of this variant in disease. Therefore, it has been classified as a Variant of Uncertain Significance.